The following is an entry in ClinVar:

NM_005876.5(SPEG):c.7914G>T (p.Gly2638=)

Genes: ASIC4-AS1 (ASIC4 antisense RNA 1; minus strand), SPEG (striated muscle enriched protein kinase; plus strand). Cytogenetic location: 2q35.
Variant type: single nucleotide variant.
Coding change: c.7914G>T on transcript NM_005876.5 (MANE Select); coding-DNA position 7914, G replaced by T.
Protein change: p.Gly2638=; no amino-acid change (glycine 2638 retained).
Molecular consequence: synonymous variant.
Genome position (GRCh38, 1-based): chr2:219,488,553, G>T. VCF-style: chr2-219488553-G-T. GRCh37 (hg19) VCF-style: chr2-220353275-G-T.
Identifiers: ClinVar variation 4873808 (VCV004873808.2).
Genomic context (GRCh38, chr2:219,488,553, plus strand): 5'-CCCAGACAAGAAGTCCTTGAGGTCAGAGCCCTCAGTGATCATCGTGTCCTGCAAAGATGG[G>T]CGGCAGCTGCTCAGCATCCCCCGGGCGGGCAAGCGGCACGCCGGTCTCTATGAGTGCTCG-3'
Protein context (NP_005867.3, residues 2628-2648): PSVIIVSCKD[Gly2638=]RQLLSIPRAG

ClinVar aggregate classification (germline): Likely benign (1 of 4 stars; one submission).

Submission:

CeGaT Center for Human Genetics Tuebingen
Classification: Likely benign. Last evaluated: 2026-04-01. Review status: criteria provided, single submitter. Criteria: CeGaT Center For Human Genetics Tuebingen Variant Classification Criteria Version 2. Collection method: clinical testing. Allele origin: germline. Affected: yes. Observed: 2 variant alleles.
Comment: SPEG: PM2:Supporting, BP4, BP7